The following is an entry in ClinVar:

NM_174916.3(UBR1):c.1482A>G (p.Leu494=)

Gene: UBR1 (ubiquitin protein ligase E3 component n-recognin 1; minus strand). Cytogenetic location: 15q15.2.
Variant type: single nucleotide variant.
Coding change: c.1482A>G on transcript NM_174916.3 (MANE Select); coding-DNA position 1482, A replaced by G.
Protein change: p.Leu494=; no amino-acid change (leucine 494 retained).
Molecular consequence: synonymous variant.
Genome position (GRCh38, 1-based): chr15:43,048,449, T>C on the plus strand (A>G on the coding strand, the complement: UBR1 is on the minus strand). VCF-style: chr15-43048449-T-C. GRCh37 (hg19) VCF-style: chr15-43340647-T-C.
Other names: c.1482A>G (NM_174916.2).
Identifiers: ClinVar variation 2967221 (VCV002967221.4), dbSNP rs758047026, ClinGen allele CA7518723.

ClinVar aggregate classification (germline): Likely benign. Review status: criteria provided, single submitter (1 of 4 stars). 2 submissions from 2 submitters: Likely benign (1). 1 of the submissions does not count toward it. Last evaluated 2023-10-15.

Conditions:
UBR1-related disorder. Also called: UBR1-related condition.

Allele frequency attached by ClinVar (database versions not stated): ExAC 0.00001; gnomAD 0.00001; gnomAD exomes 0.00001; TOPMed 0.00001.

Submissions (2):

Labcorp Genetics (formerly Invitae), Labcorp
Classification: Likely benign. Last evaluated: 2023-10-15. Review status: criteria provided, single submitter. Criteria: Invitae Variant Classification Sherloc (09022015). Collection method: clinical testing. Allele origin: germline.

PreventionGenetics, part of Exact Sciences
Classification: Likely benign for UBR1-related condition. Last evaluated: 2019-05-31. Review status: no assertion criteria provided. Collection method: clinical testing. Allele origin: germline. Not counted in ClinVar's aggregate classification.
Comment: This variant is classified as likely benign based on ACMG/AMP sequence variant interpretation guidelines (Richards et al. 2015 PMID: 25741868, with internal and published modifications).